The following is an entry in ClinVar:

ClinVar aggregate classification (germline): Uncertain significance (1 of 4 stars; one submission).

Conditions:
Dilated cardiomyopathy 1AA (CMD1AA). Also called: CARDIOMYOPATHY, DILATED, 1AA, WITH OR WITHOUT LEFT VENTRICULAR NONCOMPACTION; CARDIOMYOPATHY, FAMILIAL HYPERTROPHIC, 23, WITH OR WITHOUT LEFT VENTRICULAR NONCOMPACTION; Cardiomyopathy, dilated, 1AA, with or without LVNC. Identifiers: Orphanet 154, MedGen C2677338, MONDO:0012808, OMIM 612158.
Primary familial hypertrophic cardiomyopathy (HCM). Identifiers: Orphanet 99739, MedGen C0949658, MeSH D024741, MONDO:0024573. Inheritance: Various modes of inheritance.

Submission:

Labcorp Genetics (formerly Invitae), Labcorp
Classification: Uncertain significance for Primary familial hypertrophic cardiomyopathy; Dilated cardiomyopathy 1AA. Last evaluated: 2023-05-23. Review status: criteria provided, single submitter. Criteria: Invitae Variant Classification Sherloc (09022015). Collection method: clinical testing. Allele origin: germline.
Comment: In summary, the available evidence is currently insufficient to determine the role of this variant in disease. Therefore, it has been classified as a Variant of Uncertain Significance. Advanced modeling of protein sequence and biophysical properties (such as structural, functional, and spatial information, amino acid conservation, physicochemical variation, residue mobility, and thermodynamic stability) performed at Invitae indicates that this missense variant is not expected to disrupt ACTN2 protein function. ClinVar contains an entry for this variant (Variation ID: 1009013). This variant has not been reported in the literature in individuals affected with ACTN2-related conditions. This variant is not present in population databases (gnomAD no frequency). This sequence change replaces arginine, which is basic and polar, with lysine, which is basic and polar, at codon 281 of the ACTN2 protein (p.Arg281Lys).

NM_001103.4(ACTN2):c.842G>A (p.Arg281Lys)

Gene: ACTN2 (actinin alpha 2; plus strand). Cytogenetic location: 1q43.
Variant type: single nucleotide variant.
Coding change: c.842G>A on transcript NM_001103.4 (MANE Select); coding-DNA position 842, G replaced by A.
Protein change: p.Arg281Lys; replaces arginine 281 with lysine.
Molecular consequence: missense variant.
Genome position (GRCh38, 1-based): chr1:236,737,180, G>A. VCF-style: chr1-236737180-G-A. GRCh37 (hg19) VCF-style: chr1-236900480-G-A.
Other names: c.842G>A, p.Arg281Lys (NM_001278343.2); c.218G>A, p.Arg73Lys (NM_001278344.2); short protein forms R281K, R73K.
Identifiers: ClinVar variation 1009013 (VCV001009013.9), dbSNP rs1022501985, ClinGen allele CA39724134.